The following is an entry in ClinVar:

ClinVar aggregate classification (germline): Uncertain significance (1 of 4 stars; one submission).

Conditions:
Hereditary cancer-predisposing syndrome. Also called: Neoplastic Syndromes, Hereditary; Tumor predisposition; Hereditary neoplastic syndrome; Hereditary Cancer Syndrome. Identifiers: Orphanet 140162, MedGen C0027672, MeSH D009386, MONDO:0015356.

Submission:

Ambry Genetics
Classification: Uncertain significance for Hereditary cancer-predisposing syndrome. Last evaluated: 2026-08-23. Review status: criteria provided, single submitter. Criteria: Ambry Variant Classification Scheme 2023. Collection method: clinical testing. Allele origin: germline.
Comment: The p.A709P variant (also known as c.2125G>C), located in coding exon 13 of the CDH1 gene, results from a G to C substitution at nucleotide position 2125. The alanine at codon 709 is replaced by proline, an amino acid with highly similar properties. This amino acid position is conserved. In addition, the in silico prediction for this alteration is inconclusive. Based on the available evidence, the clinical significance of this variant remains unclear.

NM_004360.5(CDH1):c.2125G>C (p.Ala709Pro)

Gene: CDH1 (cadherin 1; plus strand). Cytogenetic location: 16q22.1.
Variant type: single nucleotide variant.
Coding change: c.2125G>C on transcript NM_004360.5 (MANE Select); coding-DNA position 2125, G replaced by C.
Protein change: p.Ala709Pro; replaces alanine 709 with proline.
Molecular consequence: missense variant.
Genome position (GRCh38, 1-based): chr16:68,823,587, G>C. VCF-style: chr16-68823587-G-C. GRCh37 (hg19) VCF-style: chr16-68857490-G-C.
Other names: c.1942G>C, p.Ala648Pro (NM_001317184.2); c.577G>C, p.Ala193Pro (NM_001317185.2); c.160G>C, p.Ala54Pro (NM_001317186.2); short protein forms A54P, A648P, A193P, A709P.
Identifiers: ClinVar variation 5034018 (VCV005034018.1).